The following is an entry in ClinVar:

NM_015338.6(ASXL1):c.2546C>G (p.Pro849Arg)

Gene: ASXL1 (ASXL transcriptional regulator 1; plus strand). Cytogenetic location: 20q11.21.
Variant type: single nucleotide variant.
Coding change: c.2546C>G on transcript NM_015338.6 (MANE Select); coding-DNA position 2546, C replaced by G.
Protein change: p.Pro849Arg; replaces proline 849 with arginine.
Molecular consequence: missense variant.
Genome position (GRCh38, 1-based): chr20:32,435,258, C>G. VCF-style: chr20-32435258-C-G. GRCh37 (hg19) VCF-style: chr20-31023061-C-G.
Other names: c.2363C>G, p.Pro788Arg (NM_001363734.1); short protein forms P788R, P849R.
Identifiers: ClinVar variation 4864204 (VCV004864204.1).

ClinVar aggregate classification (germline): Uncertain significance (1 of 4 stars; one submission).

Conditions:
Inborn genetic diseases. Identifiers: MedGen C0950123, MeSH D030342.

gnomAD v4.1: 4 of 1,614,124 alleles (0.00025%); highest among the groups gnomAD compares: Non-Finnish European, 0.00034%; no homozygotes.

Submission:

Ambry Genetics
Classification: Uncertain significance for Inborn genetic diseases. Last evaluated: 2026-04-08. Review status: criteria provided, single submitter. Criteria: Ambry Variant Classification Scheme 2023. Collection method: clinical testing. Allele origin: germline.
Comment: The p.P849R variant (also known as c.2546C>G), located in coding exon 13 of the ASXL1 gene, results from a C to G substitution at nucleotide position 2546. The proline at codon 849 is replaced by arginine, an amino acid with dissimilar properties. This amino acid position is conserved. In addition, this alteration is predicted to be tolerated by in silico analysis. Based on the available evidence, the clinical significance of this variant remains unclear.